The following is an entry in ClinVar:

NM_001256789.3(CACNA1F):c.859G>C (p.Gly287Arg)

Gene: CACNA1F (calcium voltage-gated channel subunit alpha1 F; minus strand). Cytogenetic location: Xp11.23.
Variant type: single nucleotide variant.
Coding change: c.859G>C on transcript NM_001256789.3 (MANE Select); coding-DNA position 859, G replaced by C.
Protein change: p.Gly287Arg; replaces glycine 287 with arginine.
Molecular consequence: missense variant.
Genome position (GRCh38, 1-based): chrX:49,228,406, C>G on the plus strand (G>C on the coding strand, the complement: CACNA1F is on the minus strand). VCF-style: chrX-49228406-C-G. GRCh37 (hg19) VCF-style: chrX-49084868-C-G.
Other names: c.664G>C, p.Gly222Arg (NM_001256790.3); c.859G>C, p.Gly287Arg (NM_005183.4); short protein forms G222R, G287R.
Identifiers: ClinVar variation 852217 (VCV000852217.10), dbSNP rs956567167, ClinGen allele CA329124329.

ClinVar aggregate classification (germline): Uncertain significance. Review status: criteria provided, multiple submitters, no conflicts (2 of 4 stars). 2 submissions from 2 submitters: Uncertain significance (2). Last evaluated 2025-03-11.

Conditions:
CACNA1F-related disorder. Also called: CACNA1F-related condition.

Allele frequency attached by ClinVar (database versions not stated): gnomAD exomes 0.00001 and 0.00003; TOPMed 0.00001; gnomAD 0.00004.
gnomAD v4.1: 41 of 1,208,286 alleles (0.0034%); highest among the groups gnomAD compares: Non-Finnish European, 0.0036%; no homozygotes.

Submissions (2):

PreventionGenetics, part of Exact Sciences
Classification: Uncertain significance for CACNA1F-related condition. Last evaluated: 2025-03-11. Review status: criteria provided, single submitter. Criteria: ACMG Guidelines, 2015. Collection method: clinical testing. Allele origin: germline.
Comment: The CACNA1F c.859G>C variant is predicted to result in the amino acid substitution p.Gly287Arg. To our knowledge, this variant has not been reported in the literature. This variant is reported in 0.0023% of alleles in individuals of European (Non-Finnish) descent in gnomAD. Although we suspect that this variant may be benign, at this time, the clinical significance of this variant is uncertain due to the absence of conclusive functional and genetic evidence.

Labcorp Genetics (formerly Invitae), Labcorp
Classification: Uncertain significance. Last evaluated: 2024-10-21. Review status: criteria provided, single submitter. Criteria: Invitae Variant Classification Sherloc (09022015). Collection method: clinical testing. Allele origin: germline.
Comment: This sequence change replaces glycine, which is neutral and non-polar, with arginine, which is basic and polar, at codon 287 of the CACNA1F protein (p.Gly287Arg). This variant is present in population databases (no rsID available, gnomAD 0.002%). This missense change has been observed in individual(s) with inherited retinal dystrophy (internal data). ClinVar contains an entry for this variant (Variation ID: 852217). Invitae Evidence Modeling of protein sequence and biophysical properties (such as structural, functional, and spatial information, amino acid conservation, physicochemical variation, residue mobility, and thermodynamic stability) indicates that this missense variant is not expected to disrupt CACNA1F protein function with a negative predictive value of 80%. In summary, the available evidence is currently insufficient to determine the role of this variant in disease. Therefore, it has been classified as a Variant of Uncertain Significance.